The following is an entry in ClinVar:

ClinVar aggregate classification (germline): Pathogenic (1 of 4 stars; one submission).

Conditions:
COL4A1-related disorder. Also called: COL4A1-related disorders; COL4A1-related condition. Identifiers: MedGen CN376119, MONDO:0800461.

Submission:

Victorian Clinical Genetics Services, Murdoch Childrens Research Institute
Classification: Pathogenic for COL4A1-related disorder. Last evaluated: 2024-10-09. Review status: criteria provided, single submitter. Criteria: ACMG Guidelines, 2015. Collection method: clinical testing. Allele origin: germline. Inheritance: Autosomal dominant inheritance. Affected: yes.
Comment: Based on the classification scheme VCGS_Germline_v1.3.5, this variant is classified as Pathogenic. Following criteria are met: 0103 - Loss of function is a known mechanism of disease in this gene and is associated with COL4A1-related disorder (MONDO:0800461). Glycine substitutions affecting the Gly-X-Y repeat motif are known to have a dominant-negative mechanism of disease in other collagen genes, but conclusive functional evidence of a dominant-negative mechanism in this gene is not available (PMID: 1867713, 23225343,16159887). (I) 0107 - This gene is associated with autosomal dominant disease. Glycine substitutions in exons 24 and 25 of this gene are associated with angiopathy, hereditary, with nephropathy, aneurysms, and muscle cramps (MIM#611773) (PMID: 20301768). (I) 0112 - The condition associated with this gene has incomplete penetrance. Asymptomatic carriers of pathogenic variants have been reported in at least one family (PMID: 30413629). (I) 0200 - Variant is predicted to result in a missense amino acid change from glycine to arginine. (I) 0251 - This variant is heterozygous. (I) 0301 - Variant is absent from gnomAD (v2, v3 and v4). (SP) 0501 - Missense variant consistently predicted to be damaging by multiple in silico tools or highly conserved with a major amino acid change. (SP) 0601 - Variant is located in the well-established functional collagen domain and affects a glycine residue in the Gly-X-Y motif (DECIPHER). (SP) 0703 - Another missense variant comparable to the one identified in this case has moderate previous evidence for pathogenicity. p.(Gly903Asp) has been observed in multiple unrelated individuals with COL4A1-related symptoms, including two de novo occurrences (DECIPHER, ClinVar, PMID: 32732225, VCGS internal database). (SP) 0807 - This variant has no previous evidence of pathogenicity. (I) 0905 - No published segregation evidence has been identified for this variant. (I) 1007 - No published functional evidence has been identified for this variant. (SP) Legend: (SP) - Supporting pathogenic, (I) - Information, (SB) - Supporting benign

Literature cited by the submitters: PubMed 1867713; PubMed 16159887; PubMed 20301768; PubMed 23225343; PubMed 30413629; PubMed 32732225.

NM_001845.6(COL4A1):c.2707G>C (p.Gly903Arg)

Gene: COL4A1 (collagen type IV alpha 1 chain; minus strand). Cytogenetic location: 13q34.
Variant type: single nucleotide variant.
Coding change: c.2707G>C on transcript NM_001845.6 (MANE Select); coding-DNA position 2707, G replaced by C.
Protein change: p.Gly903Arg; replaces glycine 903 with arginine.
Molecular consequence: missense variant.
Genome position (GRCh38, 1-based): chr13:110,177,851, C>G on the plus strand (G>C on the coding strand, the complement: COL4A1 is on the minus strand). VCF-style: chr13-110177851-C-G. GRCh37 (hg19) VCF-style: chr13-110830198-C-G.
Other names: short protein forms G903R.
Identifiers: ClinVar variation 3377389 (VCV003377389.1).